The following is an entry in ClinVar:

NM_005076.5(CNTN2):c.2926G>A (p.Asp976Asn)

Genes: CNTN2 (contactin 2; plus strand), LOC126805985 (MED14-independent group 3 enhancer GRCh37_chr1:205041546-205042745; plus strand). Cytogenetic location: 1q32.1.
Variant type: single nucleotide variant.
Coding change: c.2926G>A on transcript NM_005076.5 (MANE Select); coding-DNA position 2926, G replaced by A.
Protein change: p.Asp976Asn; replaces aspartic acid 976 with asparagine.
Molecular consequence: missense variant. On other transcripts: non-coding transcript variant (1).
Genome position (GRCh38, 1-based): chr1:205,073,149, G>A. VCF-style: chr1-205073149-G-A. GRCh37 (hg19) VCF-style: chr1-205042277-G-A.
Other names: c.2926G>A, p.Asp976Asn (NM_001346083.2); short protein forms D976N.
Identifiers: ClinVar variation 2074564 (VCV002074564.2), dbSNP rs762564380, ClinGen allele CA1351837.

ClinVar aggregate classification (germline): Uncertain significance. Review status: criteria provided, multiple submitters, no conflicts (2 of 4 stars). 2 submissions from 2 submitters: Uncertain significance (2). Last evaluated 2022-10-03.

Conditions:
Epilepsy, familial adult myoclonic, 5 (EPEO5). Also called: CORTICAL MYOCLONIC TREMOR WITH EPILEPSY, FAMILIAL, 5. Identifiers: Orphanet 86814, MedGen C3809374, MONDO:0014167, OMIM 615400.

Allele frequency attached by ClinVar (database versions not stated): ExAC 0.00001.
gnomAD v4.1: 4 of 1,614,070 alleles (0.00025%); highest among the groups gnomAD compares: Admixed American, 0.005%; no homozygotes.

Submissions (2):

Labcorp Genetics (formerly Invitae), Labcorp
Classification: Uncertain significance for Epilepsy, familial adult myoclonic, 5. Last evaluated: 2022-10-03. Review status: criteria provided, single submitter. Criteria: Invitae Variant Classification Sherloc (09022015). Collection method: clinical testing. Allele origin: germline.
Comment: This sequence change replaces aspartic acid, which is acidic and polar, with asparagine, which is neutral and polar, at codon 976 of the CNTN2 protein (p.Asp976Asn). This variant is present in population databases (rs762564380, gnomAD 0.003%). This variant has not been reported in the literature in individuals affected with CNTN2-related conditions. Advanced modeling of protein sequence and biophysical properties (such as structural, functional, and spatial information, amino acid conservation, physicochemical variation, residue mobility, and thermodynamic stability) performed at Invitae indicates that this missense variant is not expected to disrupt CNTN2 protein function. In summary, the available evidence is currently insufficient to determine the role of this variant in disease. Therefore, it has been classified as a Variant of Uncertain Significance.

Ambry Genetics
Classification: Uncertain significance. Last evaluated: 2022-05-18. Review status: criteria provided, single submitter. Criteria: Ambry Variant Classification Scheme 2023. Collection method: clinical testing. Allele origin: germline.